The following is an entry in ClinVar:

ClinVar aggregate classification (germline): Uncertain significance. Review status: criteria provided, multiple submitters, no conflicts (2 of 4 stars). 2 submissions from 2 submitters: Uncertain significance (2). Last evaluated 2022-07-06.

Conditions:
Donnai-Barrow syndrome. Also called: DBS/FOAR SYNDROME; FACIOOCULOACOUSTICORENAL SYNDROME. Identifiers: Orphanet 2143, MedGen C1857277, MONDO:0009104, OMIM 222448.

Allele frequency attached by ClinVar (database versions not stated): 1000 Genomes Project 30x 0.00031.

Submissions (2):

Labcorp Genetics (formerly Invitae), Labcorp
Classification: Uncertain significance. Last evaluated: 2022-07-06. Review status: criteria provided, single submitter. Criteria: Invitae Variant Classification Sherloc (09022015). Collection method: clinical testing. Allele origin: germline.
Comment: This sequence change replaces valine, which is neutral and non-polar, with glycine, which is neutral and non-polar, at codon 1870 of the LRP2 protein (p.Val1870Gly). The frequency data for this variant in the population databases is considered unreliable, as metrics indicate poor data quality at this position in the gnomAD database. This variant has not been reported in the literature in individuals affected with LRP2-related conditions. ClinVar contains an entry for this variant (Variation ID: 1389409). Advanced modeling of protein sequence and biophysical properties (such as structural, functional, and spatial information, amino acid conservation, physicochemical variation, residue mobility, and thermodynamic stability) performed at Invitae indicates that this missense variant is expected to disrupt LRP2 protein function. Algorithms developed to predict the effect of sequence changes on RNA splicing suggest that this variant may create or strengthen a splice site. In summary, the available evidence is currently insufficient to determine the role of this variant in disease. Therefore, it has been classified as a Variant of Uncertain Significance.

Fulgent Genetics
Classification: Uncertain significance for Donnai-Barrow syndrome. Last evaluated: 2022-05-26. Review status: criteria provided, single submitter. Criteria: ACMG Guidelines, 2015. Collection method: clinical testing. Allele origin: unknown.

NM_004525.3(LRP2):c.5609T>G (p.Val1870Gly)

Gene: LRP2 (LDL receptor related protein 2; minus strand). Cytogenetic location: 2q31.1.
Variant type: single nucleotide variant.
Coding change: c.5609T>G on transcript NM_004525.3 (MANE Select); coding-DNA position 5609, T replaced by G.
Protein change: p.Val1870Gly; replaces valine 1870 with glycine.
Molecular consequence: missense variant.
Genome position (GRCh38, 1-based): chr2:169,220,493, A>C on the plus strand (T>G on the coding strand, the complement: LRP2 is on the minus strand). VCF-style: chr2-169220493-A-C. GRCh37 (hg19) VCF-style: chr2-170077003-A-C.
Other names: short protein forms V1870G.
Identifiers: ClinVar variation 1389409 (VCV001389409.4), dbSNP rs148768434, ClinGen allele CA1954490.